The following is an entry in ClinVar:

ClinVar aggregate classification (germline): Uncertain significance (1 of 4 stars; one submission).

Allele frequency attached by ClinVar (database versions not stated): gnomAD 0.00001; TOPMed 0.00001; ExAC 0.00002; gnomAD exomes 0.00002.
gnomAD v4.1: 24 of 1,613,588 alleles (0.0015%); highest among the groups gnomAD compares: Non-Finnish European, 0.002%; no homozygotes.

Submission:

Labcorp Genetics (formerly Invitae), Labcorp
Classification: Uncertain significance. Last evaluated: 2022-03-16. Review status: criteria provided, single submitter. Criteria: Invitae Variant Classification Sherloc (09022015). Collection method: clinical testing. Allele origin: germline.
Comment: In summary, the available evidence is currently insufficient to determine the role of this variant in disease. Therefore, it has been classified as a Variant of Uncertain Significance. Algorithms developed to predict the effect of missense changes on protein structure and function are either unavailable or do not agree on the potential impact of this missense change (SIFT: "Not Available"; PolyPhen-2: "Benign"; Align-GVGD: "Not Available"). This variant has not been reported in the literature in individuals affected with ADAMTS18-related conditions. This variant is present in population databases (rs747354901, gnomAD 0.004%). This sequence change replaces aspartic acid, which is acidic and polar, with glycine, which is neutral and non-polar, at codon 903 of the ADAMTS18 protein (p.Asp903Gly).

NM_199355.4(ADAMTS18):c.2708A>G (p.Asp903Gly)

Gene: ADAMTS18 (ADAM metallopeptidase with thrombospondin type 1 motif 18; minus strand). Cytogenetic location: 16q23.1.
Variant type: single nucleotide variant.
Coding change: c.2708A>G on transcript NM_199355.4 (MANE Select); coding-DNA position 2708, A replaced by G.
Protein change: p.Asp903Gly; replaces aspartic acid 903 with glycine.
Molecular consequence: missense variant.
Genome position (GRCh38, 1-based): chr16:77,297,382, T>C on the plus strand (A>G on the coding strand, the complement: ADAMTS18 is on the minus strand). VCF-style: chr16-77297382-T-C. GRCh37 (hg19) VCF-style: chr16-77331279-T-C.
Other names: c.2192A>G, p.Asp731Gly (NM_001326358.2); short protein forms D731G, D903G.
Identifiers: ClinVar variation 2148804 (VCV002148804.2), dbSNP rs747354901, ClinGen allele CA8180774.